The following is an entry in ClinVar:

ClinVar aggregate classification (germline): Uncertain significance. Review status: criteria provided, multiple submitters, no conflicts (2 of 4 stars). 3 submissions from 3 submitters: Uncertain significance (3). Last evaluated 2024-09-06.

Conditions:
Hereditary cancer-predisposing syndrome. Also called: Neoplastic Syndromes, Hereditary; Tumor predisposition; Hereditary Cancer Syndrome; Hereditary neoplastic syndrome. Identifiers: Orphanet 140162, MedGen C0027672, MeSH D009386, MONDO:0015356.
Familial cancer of breast. Also called: BREAST CANCER, FAMILIAL; Hereditary breast cancer; hereditary breast carcinoma. Identifiers: Orphanet 227535, MedGen C0346153, MONDO:0016419, OMIM 114480. Disease mechanism: loss of function.

Submissions (3):

Ambry Genetics
Classification: Uncertain significance for Hereditary cancer-predisposing syndrome. Last evaluated: 2024-09-06. Review status: criteria provided, single submitter. Criteria: Ambry Variant Classification Scheme 2023. Collection method: clinical testing. Allele origin: germline.
Comment: The p.A262V variant (also known as c.785C>T), located in coding exon 4 of the BARD1 gene, results from a C to T substitution at nucleotide position 785. The alanine at codon 262 is replaced by valine, an amino acid with similar properties. This amino acid position is well conserved in available vertebrate species. In addition, this alteration is predicted to be tolerated by in silico analysis. Since supporting evidence is limited at this time, the clinical significance of this alteration remains unclear.

Color Diagnostics, LLC DBA Color Health
Classification: Uncertain significance for Hereditary cancer-predisposing syndrome. Last evaluated: 2021-10-20. Review status: criteria provided, single submitter. Criteria: ACMG Guidelines, 2015. Collection method: clinical testing. Allele origin: germline.
Comment: This missense variant replaces alanine with valine at codon 262 of the BARD1 protein. Computational prediction suggests that this variant may not impact protein structure and function (internally defined REVEL score threshold <= 0.5, PMID: 27666373). To our knowledge, functional studies have not been reported for this variant. This variant has not been reported in individuals affected with hereditary cancer in the literature. This variant has not been identified in the general population by the Genome Aggregation Database (gnomAD). The available evidence is insufficient to determine the role of this variant in disease conclusively. Therefore, this variant is classified as a Variant of Uncertain Significance.

Labcorp Genetics (formerly Invitae), Labcorp
Classification: Uncertain significance for Familial cancer of breast. Last evaluated: 2021-10-01. Review status: criteria provided, single submitter. Criteria: Invitae Variant Classification Sherloc (09022015). Collection method: clinical testing. Allele origin: germline.
Comment: In summary, the available evidence is currently insufficient to determine the role of this variant in disease. Therefore, it has been classified as a Variant of Uncertain Significance. Algorithms developed to predict the effect of sequence changes on RNA splicing suggest that this variant may create or strengthen a splice site. Algorithms developed to predict the effect of missense changes on protein structure and function (SIFT, PolyPhen-2, Align-GVGD) all suggest that this variant is likely to be tolerated. ClinVar contains an entry for this variant (Variation ID: 482837). This variant has not been reported in the literature in individuals affected with BARD1-related conditions. This variant is not present in population databases (ExAC no frequency). This sequence change replaces alanine with valine at codon 262 of the BARD1 protein (p.Ala262Val). The alanine residue is moderately conserved and there is a small physicochemical difference between alanine and valine.

NM_000465.4(BARD1):c.785C>T (p.Ala262Val)

Gene: BARD1 (BRCA1 associated RING domain 1; minus strand). Cytogenetic location: 2q35.
Variant type: single nucleotide variant.
Coding change: c.785C>T on transcript NM_000465.4 (MANE Select); coding-DNA position 785, C replaced by T.
Protein change: p.Ala262Val; replaces alanine 262 with valine.
Molecular consequence: missense variant. On other transcripts: non-coding transcript variant (2), intron variant (3).
Genome position (GRCh38, 1-based): chr2:214,781,089, G>A on the plus strand (C>T on the coding strand, the complement: BARD1 is on the minus strand). VCF-style: chr2-214781089-G-A. GRCh37 (hg19) VCF-style: chr2-215645813-G-A.
Other names: c.728C>T, p.Ala243Val (NM_001282543.2); c.158+28323C>T (NM_001282548.2); c.215+15972C>T (NM_001282545.2); c.364+11208C>T (NM_001282549.2); short protein forms A262V, A243V.
Identifiers: ClinVar variation 482837 (VCV000482837.15), dbSNP rs1553622444, ClinGen allele CA350455768.